The following is an entry in ClinVar:

ClinVar aggregate classification (germline): Conflicting classifications of pathogenicity. Review status: criteria provided, conflicting classifications (1 of 4 stars). 6 submissions from 6 submitters: Uncertain significance (3); Likely benign (2). 1 of the submissions does not count toward it. Last evaluated 2026-01-05.

Conditions:
Tobacco use disorder. Identifiers: MedGen C0040336.
Familial sleep-related hypermotor epilepsy. Also called: Autosomal Dominant Sleep-Related Hypermotor (Hyperkinetic) Epilepsy. Identifiers: Orphanet 98784, MedGen C3696898, MONDO:0000030.
Inborn genetic diseases. Identifiers: MedGen C0950123, MeSH D030342.
Autosomal dominant nocturnal frontal lobe epilepsy 1. Also called: EPILEPSY, NOCTURNAL FRONTAL LOBE, TYPE 1; CHRNA4-Related Nocturnal Frontal Lobe Epilepsy, Autosomal Dominant. Identifiers: Orphanet 98784, MedGen C1838049, MONDO:0010899, OMIM 600513.

Allele frequency attached by ClinVar (database versions not stated): gnomAD exomes 0.00002; ExAC 0.00003; gnomAD 0.00003 and 0.00002; TOPMed 0.00005.
gnomAD v4.1: 42 of 1,612,870 alleles (0.0026%); highest among the groups gnomAD compares: Middle Eastern, 0.033%; 1 homozygote.

Submissions (6):

Labcorp Genetics (formerly Invitae), Labcorp
Classification: Likely benign. Last evaluated: 2026-01-05. Review status: criteria provided, single submitter. Criteria: Invitae Variant Classification Sherloc (09022015). Collection method: clinical testing. Allele origin: germline.

Revvity Omics, Revvity
Classification: Uncertain significance for Autosomal dominant nocturnal frontal lobe epilepsy 1. Last evaluated: 2022-02-14. Review status: criteria provided, single submitter. Criteria: ACMG Guidelines, 2015. Collection method: clinical testing. Allele origin: germline.

Ambry Genetics
Classification: Uncertain significance for Inborn genetic diseases. Last evaluated: 2021-09-01. Review status: criteria provided, single submitter. Criteria: Ambry Variant Classification Scheme 2023. Collection method: clinical testing. Allele origin: germline.

Mayo Clinic Laboratories, Mayo Clinic
Classification: Uncertain significance. Last evaluated: 2019-07-22. Review status: criteria provided, single submitter. Criteria: ACMG Guidelines, 2015. Collection method: clinical testing. Allele origin: germline. Observed: 1 variant allele.

GeneDx
Classification: Likely benign. Last evaluated: 2016-08-30. Review status: criteria provided, single submitter. Criteria: GeneDx Variant Classification (06012015). Collection method: clinical testing. Allele origin: germline. Affected: yes.
Comment: This variant is considered likely benign or benign based on one or more of the following criteria: it is a conservative change, it occurs at a poorly conserved position in the protein, it is predicted to be benign by multiple in silico algorithms, and/or has population frequency not consistent with disease.

Psychiatry Genetics Yale University
No classification provided. Review status: no classification provided. Collection method: not provided. Allele origin: somatic. Not counted in ClinVar's aggregate classification.

NM_000744.7(CHRNA4):c.1109G>A (p.Arg370Gln)

Gene: CHRNA4 (cholinergic receptor nicotinic alpha 4 subunit; minus strand). Cytogenetic location: 20q13.33.
Variant type: single nucleotide variant.
Coding change: c.1109G>A on transcript NM_000744.7 (MANE Select); coding-DNA position 1109, G replaced by A.
Protein change: p.Arg370Gln; replaces arginine 370 with glutamine.
Molecular consequence: missense variant. On other transcripts: non-coding transcript variant (1).
Genome position (GRCh38, 1-based): chr20:63,350,302, C>T on the plus strand (G>A on the coding strand, the complement: CHRNA4 is on the minus strand). VCF-style: chr20-63350302-C-T. GRCh37 (hg19) VCF-style: chr20-61981654-C-T.
Other names: p.R370Q:CGG>CAG; c.581G>A, p.Arg194Gln (NM_001256573.2); short protein forms R370Q, R194Q.
Identifiers: ClinVar variation 98305 (VCV000098305.20), dbSNP rs121912267, ClinGen allele CA150390.